The following is an entry in ClinVar:

ClinVar aggregate classification (germline): Uncertain significance (1 of 4 stars; one submission).

Conditions:
Retinitis pigmentosa 12 (RP12). Also called: RP WITH OR WITHOUT PPRPE; RP WITH OR WITHOUT PRESERVED PARAARTERIOLE RETINAL PIGMENT EPITHELIUM; RETINITIS PIGMENTOSA WITH OR WITHOUT PARAARTERIOLAR PRESERVATION OF RETINAL PIGMENT EPITHELIUM. Identifiers: Orphanet 791, MedGen C1838647, MONDO:0010818, OMIM 600105.
Leber congenital amaurosis 8 (LCA8). Identifiers: Orphanet 65, MedGen C3151202, MONDO:0013453, OMIM 613835.

Allele frequency attached by ClinVar (database versions not stated): gnomAD exomes below 0.00001.
gnomAD v4.1: 1 of 1,614,206 alleles (0.000062%); highest among the groups gnomAD compares: South Asian, 0.0011%; no homozygotes.

Submission:

Labcorp Genetics (formerly Invitae), Labcorp
Classification: Uncertain significance for Leber congenital amaurosis 8; Retinitis pigmentosa 12. Last evaluated: 2022-08-28. Review status: criteria provided, single submitter. Criteria: Invitae Variant Classification Sherloc (09022015). Collection method: clinical testing. Allele origin: germline.
Comment: This sequence change replaces proline, which is neutral and non-polar, with leucine, which is neutral and non-polar, at codon 73 of the CRB1 protein (p.Pro73Leu). This variant is not present in population databases (gnomAD no frequency). This variant has not been reported in the literature in individuals affected with CRB1-related conditions. Advanced modeling of protein sequence and biophysical properties (such as structural, functional, and spatial information, amino acid conservation, physicochemical variation, residue mobility, and thermodynamic stability) performed at Invitae indicates that this missense variant is expected to disrupt CRB1 protein function. In summary, the available evidence is currently insufficient to determine the role of this variant in disease. Therefore, it has been classified as a Variant of Uncertain Significance.

NM_201253.3(CRB1):c.218C>T (p.Pro73Leu)

Gene: CRB1 (crumbs cell polarity complex component 1; plus strand). Cytogenetic location: 1q31.3.
Variant type: single nucleotide variant.
Coding change: c.218C>T on transcript NM_201253.3 (MANE Select); coding-DNA position 218, C replaced by T.
Protein change: p.Pro73Leu; replaces proline 73 with leucine.
Molecular consequence: missense variant. On other transcripts: non-coding transcript variant (2).
Genome position (GRCh38, 1-based): chr1:197,328,569, C>T. VCF-style: chr1-197328569-C-T. GRCh37 (hg19) VCF-style: chr1-197297699-C-T.
Other names: c.218C>T, p.Pro73Leu (NM_001193640.2, NM_001257966.2); c.11C>T, p.Pro4Leu (NM_001257965.2); short protein forms P4L, P73L.
Identifiers: ClinVar variation 2167543 (VCV002167543.1), dbSNP rs2465026444, ClinGen allele CA344085295.